The following is an entry in ClinVar:

ClinVar aggregate classification (germline): Pathogenic (1 of 4 stars; one submission).

Conditions:
Cardiovascular phenotype. Identifiers: MedGen CN230736.

Submission:

Ambry Genetics
Classification: Pathogenic for Cardiovascular phenotype. Last evaluated: 2021-02-22. Review status: criteria provided, single submitter. Criteria: Ambry Variant Classification Scheme 2023. Collection method: clinical testing. Allele origin: germline.
Comment: The p.D717A mutation (also known as c.2150A>C), located in coding exon 17 of the MYH7 gene, results from an A to C substitution at nucleotide position 2150. The aspartic acid at codon 717 is replaced by alanine, an amino acid with dissimilar properties. This codon is located on the surface of the converter domain within the head domain of the MYH7 protein, which has limited benign variation, and has been associated with earlier disease onset (Homburger JR et al. Proc. Natl. Acad. Sci. U.S.A., 2016 06;113:6701-6). This variant has been determined to be the result of a de novo mutation or germline mosaicism in one family with an isolated case of hypertrophic cardiomyopathy (Ambry internal data). Another alteration affecting this amino acid (p.D717G) has been reported in association with early onset hypertrophic cardiomyopathy (Garc&iacute;a-Giustiniani D et al. Heart. 2015 Jul;101(13):1047-53). This variant was not reported in population-based cohorts in the Genome Aggregation Database (gnomAD). This amino acid position is highly conserved in available vertebrate species. In addition, this alteration is predicted to be deleterious by in silico analysis. Based on the supporting evidence, this alteration is interpreted as a disease-causing mutation.

Literature cited by the submitters: PubMed 25935763; PubMed 27247418.

NM_000257.4(MYH7):c.2150A>C (p.Asp717Ala)

Gene: MYH7 (myosin heavy chain 7; minus strand). Cytogenetic location: 14q11.2.
Variant type: single nucleotide variant.
Coding change: c.2150A>C on transcript NM_000257.4 (MANE Select); coding-DNA position 2150, A replaced by C.
Protein change: p.Asp717Ala; replaces aspartic acid 717 with alanine.
Molecular consequence: missense variant.
Genome position (GRCh38, 1-based): chr14:23,425,976, T>G on the plus strand (A>C on the coding strand, the complement: MYH7 is on the minus strand). VCF-style: chr14-23425976-T-G. GRCh37 (hg19) VCF-style: chr14-23895185-T-G.
Other names: c.2150A>C, p.Asp717Ala (NM_001407004.1); short protein forms D717A.
Identifiers: ClinVar variation 1786737 (VCV001786737.2), dbSNP rs2502289272, ClinGen allele CA389049027.
Genomic context (GRCh38, chr14:23,425,976, plus strand): 5'-AGCCTGGCTCCCCCTGTTCTATGAGCTCTGGTGCACCCTCATACCCACCTCTGCCGGAAG[T>G]CCCCGTAGAGGATGCGGTTGGGGAAGCCTTTCCTGCAGATGCGGATGCCCTCCAGCACAC-3'
Protein context (NP_000248.2, residues 707-727): KGFPNRILYG[Asp717Ala]FRQRYRILNP